The following is an entry in ClinVar:

NM_177433.3(MAGED2):c.262C>T (p.Gln88Ter)

Gene: MAGED2 (MAGE family member D2; plus strand). Cytogenetic location: Xp11.21.
Variant type: single nucleotide variant.
Coding change: c.262C>T on transcript NM_177433.3 (MANE Select); coding-DNA position 262, C replaced by T.
Protein change: p.Gln88Ter; replaces glutamine 88 with a stop codon.
Molecular consequence: nonsense.
Genome position (GRCh38, 1-based): chrX:54,809,938, C>T. VCF-style: chrX-54809938-C-T. GRCh37 (hg19) VCF-style: chrX-54836371-C-T.
Other names: c.262C>T, p.Gln88Ter (NM_014599.6, NM_201222.3); short protein forms Q88*.
Identifiers: ClinVar variation 2575215 (VCV002575215.2), dbSNP rs1432384861, ClinGen allele CA413265487.

ClinVar aggregate classification (germline): Pathogenic (1 of 4 stars; one submission).

Conditions:
Bartter disease type 5. Also called: Bartter syndrome, type 5, antenatal, transient. Identifiers: Orphanet 112, Orphanet 570371, MedGen C4310820, MONDO:0010503, OMIM 300971.

Submission:

Institute of Human Genetics, FAU Erlangen, Friedrich-Alexander-Universität Erlangen-Nürnberg
Classification: Pathogenic for Bartter disease type 5. Last evaluated: 2023-08-14. Review status: criteria provided, single submitter. Criteria: Hauer et al. (Genet Med. 2018). Collection method: clinical testing. Allele origin: germline. Inheritance: X-linked recessive inheritance. Affected: yes. Observed: 2 variant alleles.
Comment: This variant has been identified by standard clinical testing. Selected ACMG criteria: Pathogenic (I):PP4;PM2;PVS1